The following is an entry in ClinVar:

ClinVar aggregate classification (germline): Uncertain significance (1 of 4 stars; one submission).

Conditions:
Chédiak-Higashi syndrome (CHS). Also called: Chediak-Higashi Syndrome. Identifiers: Orphanet 167, MedGen C0007965, MONDO:0008963, OMIM 214500.

gnomAD v4.1: 4 of 1,613,822 alleles (0.00025%); highest among the groups gnomAD compares: Middle Eastern, 0.033%; no homozygotes.

Submission:

Labcorp Genetics (formerly Invitae), Labcorp
Classification: Uncertain significance for Chédiak-Higashi syndrome. Last evaluated: 2021-08-22. Review status: criteria provided, single submitter. Criteria: Invitae Variant Classification Sherloc (09022015). Collection method: clinical testing. Allele origin: germline.
Comment: This sequence change replaces alanine with valine at codon 360 of the LYST protein (p.Ala360Val). The alanine residue is moderately conserved and there is a small physicochemical difference between alanine and valine. This variant is not present in population databases (ExAC no frequency). This variant has not been reported in the literature in individuals affected with LYST-related conditions. Algorithms developed to predict the effect of missense changes on protein structure and function are either unavailable or do not agree on the potential impact of this missense change (SIFT: "Tolerated"; PolyPhen-2: "Possibly Damaging"; Align-GVGD: "Class C0"). In summary, the available evidence is currently insufficient to determine the role of this variant in disease. Therefore, it has been classified as a Variant of Uncertain Significance.

NM_000081.4(LYST):c.1079C>T (p.Ala360Val)

Gene: LYST (lysosomal trafficking regulator; minus strand). Cytogenetic location: 1q42.3.
Variant type: single nucleotide variant.
Coding change: c.1079C>T on transcript NM_000081.4 (MANE Select); coding-DNA position 1079, C replaced by T.
Protein change: p.Ala360Val; replaces alanine 360 with valine.
Molecular consequence: missense variant.
Genome position (GRCh38, 1-based): chr1:235,809,739, G>A on the plus strand (C>T on the coding strand, the complement: LYST is on the minus strand). VCF-style: chr1-235809739-G-A. GRCh37 (hg19) VCF-style: chr1-235973039-G-A.
Other names: c.1079C>T, p.Ala360Val (NM_001301365.1); short protein forms A360V.
Identifiers: ClinVar variation 1464510 (VCV001464510.3), dbSNP rs1349478831, ClinGen allele CA344963206.